The following is an entry in ClinVar:

NM_003072.5(SMARCA4):c.701C>G (p.Pro234Arg)

Gene: SMARCA4 (SWI/SNF related BAF chromatin remodeling complex subunit ATPase 4; plus strand). Cytogenetic location: 19p13.2.
Variant type: single nucleotide variant.
Coding change: c.701C>G on transcript NM_003072.5 (MANE Select); coding-DNA position 701, C replaced by G.
Protein change: p.Pro234Arg; replaces proline 234 with arginine.
Molecular consequence: missense variant. On other transcripts: non-coding transcript variant (1).
Genome position (GRCh38, 1-based): chr19:10,986,534, C>G. VCF-style: chr19-10986534-C-G. GRCh37 (hg19) VCF-style: chr19-11097210-C-G.
Other names: c.701C>G, p.Pro234Arg (NM_001128844.3, NM_001128845.2, NM_001128846.2 and 5 more transcripts); short protein forms P234R.
Identifiers: ClinVar variation 1040269 (VCV001040269.8), dbSNP rs572494136, ClinGen allele CA404057071.

ClinVar aggregate classification (germline): Uncertain significance (1 of 4 stars; one submission).

Conditions:
Rhabdoid tumor predisposition syndrome 2 (RTPS2). Identifiers: Orphanet 231108, Orphanet 69077, MedGen C2750074, MONDO:0013224, OMIM 613325.

Submission:

Labcorp Genetics (formerly Invitae), Labcorp
Classification: Uncertain significance for Rhabdoid tumor predisposition syndrome 2. Last evaluated: 2020-09-15. Review status: criteria provided, single submitter. Criteria: Invitae Variant Classification Sherloc (09022015). Collection method: clinical testing. Allele origin: germline.
Comment: In summary, the available evidence is currently insufficient to determine the role of this variant in disease. Therefore, it has been classified as a Variant of Uncertain Significance. Algorithms developed to predict the effect of missense changes on protein structure and function (SIFT, PolyPhen-2, Align-GVGD) all suggest that this variant is likely to be tolerated, but these predictions have not been confirmed by published functional studies and their clinical significance is uncertain. This variant has not been reported in the literature in individuals with SMARCA4-related conditions. The frequency data for this variant in the population databases is considered unreliable, as metrics indicate insufficient coverage at this position in the ExAC database. This sequence change replaces proline with arginine at codon 234 of the SMARCA4 protein (p.Pro234Arg). The proline residue is moderately conserved and there is a moderate physicochemical difference between proline and arginine.